The following is an entry in ClinVar:

ClinVar aggregate classification (germline): Uncertain significance (1 of 4 stars; one submission).

Conditions:
Alzheimer disease. Also called: Presenile and senile dementia; Alzheimer's disease. Identifiers: Orphanet 1020, MedGen C0002395, MeSH D000544, MONDO:0004975, HP:0002511.

Allele frequency attached by ClinVar (database versions not stated): gnomAD exomes below 0.00001; ExAC 0.00002; gnomAD 0.00003; TOPMed 0.00003.
gnomAD v4.1: 5 of 1,613,296 alleles (0.00031%); highest among the groups gnomAD compares: African/African-American, 0.0067%; no homozygotes.

Submission:

Labcorp Genetics (formerly Invitae), Labcorp
Classification: Uncertain significance for Alzheimer disease. Last evaluated: 2023-03-23. Review status: criteria provided, single submitter. Criteria: Invitae Variant Classification Sherloc (09022015). Collection method: clinical testing. Allele origin: germline.
Comment: This variant is present in population databases (rs762823452, gnomAD 0.01%). This sequence change replaces valine, which is neutral and non-polar, with isoleucine, which is neutral and non-polar, at codon 683 of the APP protein (p.Val683Ile). In summary, the available evidence is currently insufficient to determine the role of this variant in disease. Therefore, it has been classified as a Variant of Uncertain Significance. Advanced modeling of protein sequence and biophysical properties (such as structural, functional, and spatial information, amino acid conservation, physicochemical variation, residue mobility, and thermodynamic stability) has been performed at Invitae for this missense variant, however the output from this modeling did not meet the statistical confidence thresholds required to predict the impact of this variant on APP protein function. This variant has not been reported in the literature in individuals affected with APP-related conditions.

NM_000484.4(APP):c.2047G>A (p.Val683Ile)

Gene: APP (amyloid beta precursor protein; minus strand). Cytogenetic location: 21q21.3.
Variant type: single nucleotide variant.
Coding change: c.2047G>A on transcript NM_000484.4 (MANE Select); coding-DNA position 2047, G replaced by A.
Protein change: p.Val683Ile; replaces valine 683 with isoleucine.
Molecular consequence: missense variant.
Genome position (GRCh38, 1-based): chr21:25,897,590, C>T on the plus strand (G>A on the coding strand, the complement: APP is on the minus strand). VCF-style: chr21-25897590-C-T. GRCh37 (hg19) VCF-style: chr21-27269902-C-T.
Other names: c.1975G>A, p.Val659Ile (NM_001136016.3); c.1654G>A, p.Val552Ile (NM_001136129.3); c.1879G>A, p.Val627Ile (NM_001136130.3, NM_001385253.1); c.1717G>A, p.Val573Ile (NM_001136131.3); c.1993G>A, p.Val665Ile (NM_001204301.2); c.1936G>A, p.Val646Ile (NM_001204302.2); c.1768G>A, p.Val590Ile (NM_001204303.2); c.1990G>A, p.Val664Ile (NM_201413.3); and 1 more; short protein forms V665I, V552I, V608I, V627I, V646I, V659I, V664I, V573I.
Identifiers: ClinVar variation 2728272 (VCV002728272.3), dbSNP rs762823452, ClinGen allele CA9987089.
Genomic context (GRCh38, chr21:25,897,590, plus strand): 5'-GCAAGACAAACAGTAGTGGAAAGAGGTAAATTATTTTACGTACCAATTTTTGATGATGAA[C>T]TTCATATCCTGAGTCATGTCGGAATTCTGCATCCATCTTCACTTCAGAGATCTCCTCCGT-3'
Protein context (NP_000475.1, residues 673-693): AEFRHDSGYE[Val683Ile]HHQKLVFFAE